The following is an entry in ClinVar:

NM_014994.3(MAPKBP1):c.902C>T (p.Pro301Leu)

Gene: MAPKBP1 (mitogen-activated protein kinase binding protein 1; plus strand). Cytogenetic location: 15q15.1.
Variant type: single nucleotide variant.
Coding change: c.902C>T on transcript NM_014994.3 (MANE Select); coding-DNA position 902, C replaced by T.
Protein change: p.Pro301Leu; replaces proline 301 with leucine.
Molecular consequence: missense variant. On other transcripts: non-coding transcript variant (2).
Genome position (GRCh38, 1-based): chr15:41,813,703, C>T. VCF-style: chr15-41813703-C-T. GRCh37 (hg19) VCF-style: chr15-42105901-C-T.
Other names: c.920C>T, p.Pro307Leu (NM_001128608.2); c.902C>T, p.Pro301Leu (NM_001265611.2); short protein forms P307L, P301L.
Identifiers: ClinVar variation 1449722 (VCV001449722.6), dbSNP rs2152079366, ClinGen allele CA391854727.

ClinVar aggregate classification (germline): Uncertain significance (1 of 4 stars; one submission).

gnomAD v4.1: 1 of 1,613,934 alleles (0.000062%); highest among the groups gnomAD compares: Non-Finnish European, 0.000085%; no homozygotes.

Submission:

Labcorp Genetics (formerly Invitae), Labcorp
Classification: Uncertain significance. Last evaluated: 2022-03-08. Review status: criteria provided, single submitter. Criteria: Invitae Variant Classification Sherloc (09022015). Collection method: clinical testing. Allele origin: germline.
Comment: In summary, the available evidence is currently insufficient to determine the role of this variant in disease. Therefore, it has been classified as a Variant of Uncertain Significance. Algorithms developed to predict the effect of missense changes on protein structure and function (SIFT, PolyPhen-2, Align-GVGD) all suggest that this variant is likely to be tolerated. This variant has not been reported in the literature in individuals affected with MAPKBP1-related conditions. This sequence change replaces proline, which is neutral and non-polar, with leucine, which is neutral and non-polar, at codon 307 of the MAPKBP1 protein (p.Pro307Leu). This variant is not present in population databases (gnomAD no frequency).